The following is an entry in ClinVar:

ClinVar aggregate classification (germline): Likely pathogenic. Review status: criteria provided, multiple submitters, no conflicts (2 of 4 stars). 6 submissions from 6 submitters: Likely pathogenic (5). 1 of the submissions does not count toward it. Last evaluated 2026-01-19.

Conditions:
MOCS1-related disorder. Also called: MOCS1-related condition.
Combined molybdoflavoprotein enzyme deficiency (MOCOD). Also called: Sulfite oxidase deficiency due to molybdenum cofactor deficiency; Combined deficiency of sulfite oxidase, xanthine dehydrogenase, and aldehyde oxidase; Molybdenum cofactor deficiency. Identifiers: Orphanet 833, Orphanet 99732, MedGen C0268119, MONDO:0020480, HP:0003570.
Sulfite oxidase deficiency due to molybdenum cofactor deficiency type A. Also called: Molybdenum Cofactor Deficiency A; Molybdenum cofactor deficiency, complementation group A. Identifiers: Orphanet 308386, Orphanet 833, MedGen C1854988, MONDO:0009643, OMIM 252150.

Submissions (6):

Labcorp Genetics (formerly Invitae), Labcorp
Classification: Likely pathogenic for Sulfite oxidase deficiency due to molybdenum cofactor deficiency type A. Last evaluated: 2026-01-19. Review status: criteria provided, single submitter. Criteria: Invitae Variant Classification Sherloc (09022015). Collection method: clinical testing. Allele origin: germline.
Comment: This sequence change creates a premature translational stop signal (p.Glu503Alafs*103) in the MOCS1 gene. While this is not anticipated to result in nonsense mediated decay, it is expected to disrupt the last 134 amino acid(s) of the MOCS1 protein. This variant is present in population databases (rs397518419, gnomAD 0.005%). This premature translational stop signal has been observed in individuals with Molybdenum cofactor deficiency (PMID: 9731530, 9921896). This variant is also known as 1523delAG. ClinVar contains an entry for this variant (Variation ID: 6118). Experimental studies and prediction algorithms are not available or were not evaluated, and the functional significance of this variant is currently unknown. In summary, the currently available evidence indicates that the variant is pathogenic, but additional data are needed to prove that conclusively. Therefore, this variant has been classified as Likely Pathogenic.

Blueprint Genetics
Classification: Likely pathogenic for MOCS1-related disorders. Last evaluated: 2024-10-16. Review status: criteria provided, single submitter. Criteria: ACMG Guidelines, 2015. Collection method: clinical testing. Allele origin: germline. Affected: yes. Observed: 2 variant alleles.

Women's Health and Genetics/Laboratory Corporation of America, LabCorp
Classification: Likely pathogenic for Combined molybdoflavoprotein enzyme deficiency. Last evaluated: 2024-09-09. Review status: criteria provided, single submitter. Criteria: LabCorp Variant Classification Summary - May 2015. Collection method: clinical testing. Allele origin: germline.
Comment: Variant summary: MOCS1 c.*365_*366delAG (NM_005943) is located in the untranslated mRNA region downstream of the termination codon. This variant also corresponds to c.1508_1509delAG in NM_001358530 and is predicted to result in a premature termination codon. The variant allele was found at a frequency of 2.8e-05 in 251360 control chromosomes. The available data on variant occurrences in the general population are insufficient to allow any conclusion about variant significance. c.*365_*366delAG has been reported in the literature, including under the nomenclature c.1523_1524delAG or 1523del2, in several homozygous individuals affected with Molybdenum Cofactor Deficiency (e.g., Reiss_1998, Reiss_2003). These data indicate that the variant is likely to be associated with disease. To our knowledge, no experimental evidence demonstrating an impact on protein function has been reported. The following publications have been ascertained in the context of this evaluation (PMID: 12754701, 9731530). ClinVar contains an entry for this variant (Variation ID: 6118). Based on the evidence outlined above, the variant was classified as likely pathogenic.

Fulgent Genetics
Classification: Likely pathogenic for Sulfite oxidase deficiency due to molybdenum cofactor deficiency type A. Last evaluated: 2022-01-06. Review status: criteria provided, single submitter. Criteria: ACMG Guidelines, 2015. Collection method: clinical testing. Allele origin: unknown.

Genomic Research Center, Shahid Beheshti University of Medical Sciences
Classification: Likely pathogenic for Molybdenum cofactor deficiency, complementation group A. Last evaluated: 2019-01-01. Review status: criteria provided, single submitter. Criteria: ACMG Guidelines, 2015. Collection method: clinical testing. Allele origin: inherited. Affected: yes. Observed: 1 variant allele.

OMIM
Classification: Pathogenic for MOLYBDENUM COFACTOR DEFICIENCY, TYPE A. Last evaluated: 1998-12-01. Review status: no assertion criteria provided. Collection method: literature only. Allele origin: germline. Not counted in ClinVar's aggregate classification.

Literature cited by the submitters: PubMed 9731530 (cited by 3 submitters); PubMed 9921896 (cited by Labcorp Genetics (formerly Invitae), Labcorp and OMIM); PubMed 12754701 (cited by Women's Health and Genetics/Laboratory Corporation of America, LabCorp).

NM_001358530.2(MOCS1):c.1508_1509del (p.Glu503fs)

Gene: MOCS1 (molybdenum cofactor synthesis 1; minus strand). Cytogenetic location: 6p21.2.
Variant type: Microsatellite.
Coding change: c.1508_1509del on transcript NM_001358530.2 (MANE Select); coding-DNA positions 1508 to 1509, 2 bases deleted (AG; older notation c.1508_1509delAG).
Protein change: p.Glu503fs; shifts the reading frame from glutamic acid 503.
Molecular consequence: frameshift variant. On other transcripts: 3 prime UTR variant (4), non-coding transcript variant (1).
Genome position (GRCh38, 1-based): chr6:39,906,759-39,906,760, CT deleted on the plus strand (AG on the coding strand, the reverse complement: MOCS1 is on the minus strand); deleting any 2 consecutive bases within chr6:39,906,759-39,906,762 gives the same sequence; the c. name uses the placement nearest the transcript's 3' end. VCF-style (leftmost placement, unchanged base first): chr6-39906758-GCT-G. GRCh37 (hg19) VCF-style: chr6-39874534-GCT-G.
Other names: c.*365_*366delAG (NM_005943.6); c.*363AG[1] (NM_001075098.4, NM_001358533.2, NM_001358534.2 and 1 more transcripts); c.1460_1461del, p.Glu487fs (NM_001358529.2); c.1247_1248del, p.Glu416fs (NM_001358531.2); short protein forms E503fs, E416fs, E487fs.
Identifiers: ClinVar variation 6118 (VCV000006118.14), dbSNP rs397518419, ClinGen allele CA117954.